The following is an entry in ClinVar:

NM_000053.4(ATP7B):c.2817G>C (p.Trp939Cys)

Gene: ATP7B (ATPase copper transporting beta; minus strand). Cytogenetic location: 13q14.3.
Variant type: single nucleotide variant.
Coding change: c.2817G>C on transcript NM_000053.4 (MANE Select); coding-DNA position 2817, G replaced by C.
Protein change: p.Trp939Cys; replaces tryptophan 939 with cysteine.
Molecular consequence: missense variant. On other transcripts: intron variant (1).
Genome position (GRCh38, 1-based): chr13:51,949,710, C>G on the plus strand (G>C on the coding strand, the complement: ATP7B is on the minus strand). VCF-style: chr13-51949710-C-G. GRCh37 (hg19) VCF-style: chr13-52523846-C-G.
Other names: c.2484G>C, p.Trp828Cys (NM_001243182.2); c.2583G>C, p.Trp861Cys (NM_001330578.2); c.2565G>C, p.Trp855Cys (NM_001330579.2); c.2244+297G>C (NM_001005918.3); c.2817G>C (NM_000053.3); short protein forms W855C, W861C, W828C, W939C.
Identifiers: ClinVar variation 1409871 (VCV001409871.8), dbSNP rs1057517310, ClinGen allele CA388033509.

ClinVar aggregate classification (germline): Pathogenic/Likely pathogenic. Review status: criteria provided, multiple submitters, no conflicts (2 of 4 stars). 4 submissions from 4 submitters: Pathogenic (1); Likely pathogenic (3). Last evaluated 2025-06-23.

Conditions:
Wilson disease (WND). Also called: Wilson's disease. Identifiers: Orphanet 905, MedGen C0019202, MONDO:0010200, OMIM 277900. Disease mechanism: loss of function.

Submissions (4):

Color Diagnostics, LLC DBA Color Health
Classification: Likely pathogenic for Wilson disease. Last evaluated: 2025-06-23. Review status: criteria provided, single submitter. Criteria: ACMG Guidelines, 2015. Collection method: clinical testing. Allele origin: germline.
Comment: This missense variant replaces tryptophan with cysteine at codon 939 of the ATP7B protein. Computational prediction suggests that this variant may have deleterious impact on protein structure and function. Although functional studies have not been reported for this variant, it alters a conserved tryptophan residue in the transmembrane domain M5 of the ATP7B protein (a.a. 918 - 946), a highly conserved region that is considered to be important for ATP7B protein function (PMID: 35245129ClinVar). The p.Trp939Cys variant has been observed in individuals affected with autosomal recessive Wilson disease (PMID: 17272994, 23430908, 30655162), including at least one individual in the compound heterozygous state with a second pathogenic ATP7B variant (PMID: 17272994) and in multiple individuals in the homozygous state (PMID: 23430908). A different DNA substitution with the same protein consequence (c.2817G>T p.Trp939Cys) has also been identified in patients with autosomal recessive Wilson disease (ClinVar variation ID: 371483). This variant has not been identified in the general population by the Genome Aggregation Database (gnomAD). Based on the available evidence, this variant is classified as Likely Pathogenic.

Natera, Inc.
Classification: Likely pathogenic for Wilson disease. Last evaluated: 2024-11-07. Review status: criteria provided, single submitter. Criteria: Natera Variant Classification Schema (03/2026). Collection method: clinical testing. Allele origin: germline.
Comment: The c.2817G>C variant in ATP7B is a missense variant predicted to cause substitution of tryptophan to cysteine at amino acid 939. This variant is rare in the general population with a frequency below the threshold expected for the associated phenotype(s). Another variant at this same site results in an alteration predicted to cause a similar molecular effect has been observed in individual(s) with the associated phenotype. Computational prediction algorithms indicate this variant is likely to affect gene or protein function. Given the available evidence, this variant is classified as Likely Pathogenic.

Labcorp Genetics (formerly Invitae), Labcorp
Classification: Pathogenic for Wilson disease. Last evaluated: 2024-02-28. Review status: criteria provided, single submitter. Criteria: Invitae Variant Classification Sherloc (09022015). Collection method: clinical testing. Allele origin: germline.
Comment: This sequence change replaces tryptophan, which is neutral and slightly polar, with cysteine, which is neutral and slightly polar, at codon 939 of the ATP7B protein (p.Trp939Cys). This variant is not present in population databases (gnomAD no frequency). This missense change has been observed in individual(s) with Wilson disease (PMID: 23430908). It has also been observed to segregate with disease in related individuals. ClinVar contains an entry for this variant (Variation ID: 1409871). Advanced modeling of protein sequence and biophysical properties (such as structural, functional, and spatial information, amino acid conservation, physicochemical variation, residue mobility, and thermodynamic stability) performed at Invitae indicates that this missense variant is expected to disrupt ATP7B protein function with a positive predictive value of 80%. For these reasons, this variant has been classified as Pathogenic.

All of Us Research Program, National Institutes of Health
Classification: Likely pathogenic for Wilson disease. Last evaluated: 2023-08-15. Review status: criteria provided, single submitter. Criteria: ACMG Guidelines, 2015. Collection method: clinical testing. Allele origin: germline. Inheritance: Autosomal recessive inheritance. Observed: 1 variant allele, 1 heterozygote.
Comment: This missense variant replaces tryptophan with cysteine at codon 939 of the ATP7B protein. Computational prediction suggests that this variant may have deleterious impact on protein structure and function (internally defined REVEL score threshold >= 0.7, PMID: 27666373). Although functional studies have not been reported for this variant, it alters a conserved tryptophan residue in the transmembrane domain M5 of the ATP7B protein (a.a. 918 - 946), a highly conserved region that is considered to be important for ATP7B protein function (PMID: 35245129; ClinVar). The p.Trp939Cys variant has been observed in individuals affected with autosomal recessive Wilson disease (PMID: 17272994, 23430908, 30655162), including at least one individual in the compound heterozygous state with a second pathogenic ATP7B variant (PMID: 17272994) and in multiple individuals in the homozygous state (PMID: 23430908). A different DNA substitution with the same protein consequence (c.2817G>T p.Trp939Cys) has also been identified in patients with autosomal recessive Wilson disease (ClinVar variation ID: 371483). This variant has not been identified in the general population by the Genome Aggregation Database (gnomAD). Based on the available evidence, this variant is classified as Likely Pathogenic.

This study involves interpretation of variants in research participants for the purpose of population health screening. Participant phenotype was not available at the time of variant classification. Additional details can be found in publication PMID: 35346344, PMCID: PMC8962531

Literature cited by the submitters: PubMed 17272994 (cited by Color Diagnostics, LLC DBA Color Health and All of Us Research Program, National Institutes of Health); PubMed 23430908 (cited by 3 submitters); PubMed 30655162 (cited by Color Diagnostics, LLC DBA Color Health and All of Us Research Program, National Institutes of Health); PubMed 35245129 (cited by Color Diagnostics, LLC DBA Color Health and All of Us Research Program, National Institutes of Health).